The following is an entry in ClinVar:

ClinVar aggregate classification (germline): Uncertain significance. Review status: criteria provided, multiple submitters, no conflicts (2 of 4 stars). 2 submissions from 2 submitters: Uncertain significance (2). Last evaluated 2025-03-12.

Conditions:
DNMT3A-related disorder. Also called: DNMT3A-related disorders; DNMT3A-related condition.

gnomAD v4.1: 7 of 1,573,752 alleles (0.00044%); highest among the groups gnomAD compares: Non-Finnish European, 0.0006%; no homozygotes.

Submissions (2):

PreventionGenetics, part of Exact Sciences
Classification: Uncertain significance for DNMT3A-related condition. Last evaluated: 2025-03-12. Review status: criteria provided, single submitter. Criteria: ACMG Guidelines, 2015. Collection method: clinical testing. Allele origin: germline.
Comment: The DNMT3A c.449-4A>G variant is predicted to interfere with splicing. To our knowledge, this variant has not been reported in the literature. This variant is reported in 0.00099% of alleles in individuals of European (non-Finnish) descent in gnomAD. At this time, the clinical significance of this variant is uncertain due to the absence of conclusive functional and genetic evidence.

CeGaT Center for Human Genetics Tuebingen
Classification: Uncertain significance. Last evaluated: 2024-07-01. Review status: criteria provided, single submitter. Criteria: CeGaT Center For Human Genetics Tuebingen Variant Classification Criteria Version 2. Collection method: clinical testing. Allele origin: germline. Affected: yes. Observed: 1 variant allele.
Comment: DNMT3A: PM2, BP4

NM_022552.5(DNMT3A):c.449-4A>G

Genes: DNMT3A (DNA methyltransferase 3 alpha; minus strand), LOC129933290 (ATAC-STARR-seq lymphoblastoid active region 15445; plus strand). Cytogenetic location: 2p23.3.
Variant type: single nucleotide variant.
Coding change: c.449-4A>G on transcript NM_022552.5 (MANE Select); 4 bases into the intron before coding-DNA position 449, A replaced by G.
Molecular consequence: intron variant.
Genome position (GRCh38, 1-based): chr2:25,275,547, T>C on the plus strand (A>G on the coding strand, the complement: DNMT3A is on the minus strand). VCF-style: chr2-25275547-T-C. GRCh37 (hg19) VCF-style: chr2-25498416-T-C.
Other names: c.449-4A>G (NM_175629.2).
Identifiers: ClinVar variation 3257424 (VCV003257424.18).